The following is an entry in ClinVar:

NM_001135022.2(ELMOD3):c.637G>A (p.Ala213Thr)

Gene: ELMOD3 (ELMO domain containing 3; plus strand). Cytogenetic location: 2p11.2.
Variant type: single nucleotide variant.
Coding change: c.637G>A on transcript NM_001135022.2 (MANE Select); coding-DNA position 637, G replaced by A.
Protein change: p.Ala213Thr; replaces alanine 213 with threonine.
Molecular consequence: missense variant. On other transcripts: non-coding transcript variant (3).
Genome position (GRCh38, 1-based): chr2:85,377,373, G>A. VCF-style: chr2-85377373-G-A. GRCh37 (hg19) VCF-style: chr2-85604496-G-A.
Other names: c.637G>A, p.Ala213Thr (NM_032213.5, NM_001135021.2, NM_001135023.2 and 3 more transcripts); short protein forms A213T.
Identifiers: ClinVar variation 2179733 (VCV002179733.4), dbSNP rs767340376, ClinGen allele CA1740420.

ClinVar aggregate classification (germline): Uncertain significance (1 of 4 stars; one submission).

Allele frequency attached by ClinVar (database versions not stated): TOPMed 0.00002; ExAC 0.00003; gnomAD 0.00003.
gnomAD v4.1: 61 of 1,607,788 alleles (0.0038%); highest among the groups gnomAD compares: East Asian, 0.0068%; no homozygotes.

Submission:

Labcorp Genetics (formerly Invitae), Labcorp
Classification: Uncertain significance. Last evaluated: 2022-04-18. Review status: criteria provided, single submitter. Criteria: Invitae Variant Classification Sherloc (09022015). Collection method: clinical testing. Allele origin: germline.
Comment: In summary, the available evidence is currently insufficient to determine the role of this variant in disease. Therefore, it has been classified as a Variant of Uncertain Significance. Algorithms developed to predict the effect of missense changes on protein structure and function (SIFT, PolyPhen-2, Align-GVGD) all suggest that this variant is likely to be tolerated. This variant has not been reported in the literature in individuals affected with ELMOD3-related conditions. This variant is present in population databases (rs767340376, gnomAD 0.005%). This sequence change replaces alanine, which is neutral and non-polar, with threonine, which is neutral and polar, at codon 213 of the ELMOD3 protein (p.Ala213Thr).